The following is an entry in ClinVar:

ClinVar aggregate classification (germline): Uncertain significance. Review status: criteria provided, multiple submitters, no conflicts (2 of 4 stars). 3 submissions from 3 submitters: Uncertain significance (3). Last evaluated 2025-09-13.

Conditions:
Inborn genetic diseases. Identifiers: MedGen C0950123, MeSH D030342.
Dyskeratosis congenita, autosomal dominant 6 (DKCA6). Identifiers: Orphanet 3322, MedGen C4225284, MONDO:0014690, OMIM 616553.

Allele frequency attached by ClinVar (database versions not stated): TOPMed 0.00001; gnomAD 0.00002; gnomAD exomes 0.00002.

Submissions (3):

Labcorp Genetics (formerly Invitae), Labcorp
Classification: Uncertain significance for Dyskeratosis congenita, autosomal dominant 6. Last evaluated: 2025-09-13. Review status: criteria provided, single submitter. Criteria: Invitae Variant Classification Sherloc (09022015). Collection method: clinical testing. Allele origin: germline.
Comment: This sequence change replaces threonine, which is neutral and polar, with isoleucine, which is neutral and non-polar, at codon 286 of the ACD protein (p.Thr286Ile). This variant is present in population databases (no rsID available, gnomAD 0.004%). This variant has not been reported in the literature in individuals affected with ACD-related conditions. ClinVar contains an entry for this variant (Variation ID: 858283). Invitae Evidence Modeling of protein sequence and biophysical properties (such as structural, functional, and spatial information, amino acid conservation, physicochemical variation, residue mobility, and thermodynamic stability) indicates that this missense variant is expected to disrupt ACD protein function with a positive predictive value of 80%. In summary, the available evidence is currently insufficient to determine the role of this variant in disease. Therefore, it has been classified as a Variant of Uncertain Significance.

Ambry Genetics
Classification: Uncertain significance for Inborn genetic diseases. Last evaluated: 2024-08-20. Review status: criteria provided, single submitter. Criteria: Ambry Variant Classification Scheme 2023. Collection method: clinical testing. Allele origin: germline.

Johns Hopkins Genomics, Johns Hopkins University
Classification: Uncertain significance for Dyskeratosis congenita, autosomal dominant 6. Last evaluated: 2020-12-08. Review status: criteria provided, single submitter. Criteria: ACMG Guidelines, 2015. Collection method: clinical testing. Allele origin: germline.
Comment: This ACD variant (rs1181866888) is rare (<0.1%) in a large population dataset (gnomAD: 4/251072 total alleles; 0.002%; no homozygotes) and has not been reported in the literature, to our knowledge. This variant has been reported in ClinVar. Two bioinformatic tools queried predict that this substitution would be damaging, and the threonine residue at this position is evolutionarily conserved across most mammals assessed. We consider the clinical significance of c.848C>T to be uncertain at this time.

NM_001082486.2(ACD):c.599C>T (p.Thr200Ile)

Gene: ACD (ACD shelterin complex subunit and telomerase recruitment factor; minus strand). Cytogenetic location: 16q22.1.
Variant type: single nucleotide variant.
Coding change: c.599C>T on transcript NM_001082486.2 (MANE Select); coding-DNA position 599, C replaced by T.
Protein change: p.Thr200Ile; replaces threonine 200 with isoleucine.
Molecular consequence: missense variant.
Genome position (GRCh38, 1-based): chr16:67,658,974, G>A on the plus strand (C>T on the coding strand, the complement: ACD is on the minus strand). VCF-style: chr16-67658974-G-A. GRCh37 (hg19) VCF-style: chr16-67692877-G-A.
Other names: NM_001082487.1:c.848C>T; c.590C>T, p.Thr197Ile (NM_022914.3); short protein forms T200I, T197I.
Identifiers: ClinVar variation 858283 (VCV000858283.14), dbSNP rs1181866888, ClinGen allele CA396354028.